The following is an entry in ClinVar:

ClinVar aggregate classification (germline): Uncertain significance (1 of 4 stars; one submission).

Conditions:
MIB1-related disorder. Also called: MIB1-related condition.

Submission:

PreventionGenetics, part of Exact Sciences
Classification: Uncertain significance for MIB1-related condition. Last evaluated: 2023-10-03. Review status: criteria provided, single submitter. Criteria: ACMG Guidelines, 2015. Collection method: clinical testing. Allele origin: germline.
Comment: The MIB1 c.2733_2735delinsA variant is predicted to result in a frameshift and premature protein termination (p.Met912Valfs*12). To our knowledge, this variant has not been reported in the literature or in a large population database, indicating this variant is rare. At this time, the clinical significance of this variant is uncertain due to the absence of conclusive functional and genetic evidence.

NM_020774.4(MIB1):c.2733_2735delinsA (p.Met912fs)

Gene: MIB1 (MIB E3 ubiquitin protein ligase 1; plus strand). Cytogenetic location: 18q11.2.
Variant type: Indel.
Coding change: c.2733_2735delinsA on transcript NM_020774.4 (MANE Select); coding-DNA positions 2733 to 2735, TAT replaced by A.
Protein change: p.Met912fs; shifts the reading frame from methionine 912.
Molecular consequence: frameshift variant.
Genome position (GRCh38, 1-based): chr18:21,857,197-21,857,199, TAT replaced by A. VCF-style: chr18-21857197-TAT-A. GRCh37 (hg19) VCF-style: chr18-19437158-TAT-A.
Other names: c.2733_2735delTATinsA, p.Met912Valfs (NM_020774.3); short protein forms M912fs.
Identifiers: ClinVar variation 2633913 (VCV002633913.1), dbSNP rs2510604324, ClinGen allele CA2695200386.
Genomic context (GRCh38, chr18:21,857,197, plus strand): 5'-TAACCTGATGAAAAAGTGTGTGCAGTGTCGAGCAGTAGTTGAACGAAGAGTGCCTTTCAT[TAT>A]GTGCTGTGGAGGGAAAAGTTCAGAAGATGCCACTGATGATATCTGTAAGTCGATTGTCTT-3'